The following is an entry in ClinVar:

ClinVar aggregate classification (germline): Pathogenic (0 of 4 stars; one submission).

Conditions:
Central core myopathy (CMYO1A). Also called: Central core disease; Myopathy, central fibrillar; CONGENITAL MYOPATHY 1A, AUTOSOMAL DOMINANT, WITH SUSCEPTIBILITY TO MALIGNANT HYPERTHERMIA. Identifiers: Orphanet 597, MedGen C5830701, MONDO:0007294, OMIM 117000.

Submission:

GeneReviews
Classification: Pathogenic for Central Core Disease. Last evaluated: 2010-05-11. Review status: no assertion criteria provided. Collection method: curation. Allele origin: unknown.
ClinVar note: Converted during submission from pathologic to Pathogenic.

Single allele

Variant type: Variation.
Identifiers: ClinVar variation 65944 (VCV000065944.2).